The following is an entry in ClinVar:

ClinVar aggregate classification (germline): Uncertain significance. Review status: criteria provided, multiple submitters, no conflicts (2 of 4 stars). 2 submissions from 2 submitters: Uncertain significance (2). Last evaluated 2025-09-29.

Conditions:
Inborn genetic diseases. Identifiers: MedGen C0950123, MeSH D030342.

Allele frequency attached by ClinVar (database versions not stated): gnomAD 0.00001; gnomAD exomes 0.00002; TOPMed 0.00002; ExAC 0.00003.

Submissions (2):

Labcorp Genetics (formerly Invitae), Labcorp
Classification: Uncertain significance. Last evaluated: 2025-09-29. Review status: criteria provided, single submitter. Criteria: Invitae Variant Classification Sherloc (09022015). Collection method: clinical testing. Allele origin: germline.
Comment: This sequence change replaces arginine, which is basic and polar, with histidine, which is basic and polar, at codon 602 of the HR protein (p.Arg602His). The frequency data for this variant in the population databases is considered unreliable, as metrics indicate poor data quality at this position in the gnomAD database. This variant has not been reported in the literature in individuals affected with HR-related conditions. ClinVar contains an entry for this variant (Variation ID: 2545890). An algorithm developed to predict the effect of missense changes on protein structure and function outputs the following: PolyPhen-2: "Benign". The histidine amino acid residue is found in multiple mammalian species, which suggests that this missense change does not adversely affect protein function. In summary, the available evidence is currently insufficient to determine the role of this variant in disease. Therefore, it has been classified as a Variant of Uncertain Significance.

Ambry Genetics
Classification: Uncertain significance for Inborn genetic diseases. Last evaluated: 2023-05-09. Review status: criteria provided, single submitter. Criteria: Ambry Variant Classification Scheme 2023. Collection method: clinical testing. Allele origin: germline.

NM_005144.5(HR):c.1805G>A (p.Arg602His)

Gene: HR (HR lysine demethylase and nuclear receptor corepressor; minus strand). Cytogenetic location: 8p21.3.
Variant type: single nucleotide variant.
Coding change: c.1805G>A on transcript NM_005144.5 (MANE Select); coding-DNA position 1805, G replaced by A.
Protein change: p.Arg602His; replaces arginine 602 with histidine.
Molecular consequence: missense variant.
Genome position (GRCh38, 1-based): chr8:22,123,759, C>T on the plus strand (G>A on the coding strand, the complement: HR is on the minus strand). VCF-style: chr8-22123759-C-T. GRCh37 (hg19) VCF-style: chr8-21981272-C-T.
Other names: c.1805G>A, p.Arg602His (NM_018411.4); short protein forms R602H.
Identifiers: ClinVar variation 2545890 (VCV002545890.3), dbSNP rs753323949, ClinGen allele CA4662343.